The following is an entry in ClinVar:

NM_000138.5(FBN1):c.2448C>G (p.Cys816Trp)

Gene: FBN1 (fibrillin 1; minus strand). Cytogenetic location: 15q21.1.
Variant type: single nucleotide variant.
Coding change: c.2448C>G on transcript NM_000138.5 (MANE Select); coding-DNA position 2448, C replaced by G.
Protein change: p.Cys816Trp; replaces cysteine 816 with tryptophan.
Molecular consequence: missense variant.
Genome position (GRCh38, 1-based): chr15:48,495,560, G>C on the plus strand (C>G on the coding strand, the complement: FBN1 is on the minus strand). VCF-style: chr15-48495560-G-C. GRCh37 (hg19) VCF-style: chr15-48787757-G-C.
Other names: short protein forms C816W.
Identifiers: ClinVar variation 42306 (VCV000042306.4), dbSNP rs397515771, ClinGen allele CA013083.

ClinVar aggregate classification (germline): Likely pathogenic (1 of 4 stars; one submission).

Conditions:
Marfan syndrome (MFS). Also called: FBN1-Related Marfan Syndrome; Marfan syndrome, classic; MARFAN SYNDROME, TYPE I; Marfan syndrome type 1; Marfan's syndrome. Identifiers: Orphanet 284963, Orphanet 558, MedGen C0024796, MONDO:0007947, OMIM 154700.

Submission:

Laboratory for Molecular Medicine, Mass General Brigham Personalized Medicine
Classification: Likely pathogenic for Marfan syndrome. Last evaluated: 2017-05-05. Review status: criteria provided, single submitter. Criteria: LMM Criteria. Collection method: clinical testing. Allele origin: germline. Inheritance: Autosomal dominant inheritance. Observed: 1 variant allele.
Comment: Of note, this variant affects a cysteine residue, which is highly conserved across species and cysteine substitutions are a common finding in individuals with Marfan syndrome (Schrijver 1999). This variant was also absent from large population studies. Computational prediction tools and co nservation analysis suggest that the p.Cys816Trp variant may impact the protein, though this information is not predictive enough to determine pathogenicity. In summary, although additional studies are required to fully establish its clinic al significance, the p.Cys816Trp variant is likely pathogenic.

Literature cited by the submitters: PubMed 18435798; PubMed 10486319; PubMed 9399842; PubMed 19293843; PubMed 17027361; PubMed 17253931; PubMed 24793577.